The following is an entry in ClinVar:

NM_000179.3(MSH6):c.2992T>C (p.Ser998Pro)

Gene: MSH6 (mutS homolog 6; plus strand). Cytogenetic location: 2p16.3.
Variant type: single nucleotide variant.
Coding change: c.2992T>C on transcript NM_000179.3 (MANE Select); coding-DNA position 2992, T replaced by C.
Protein change: p.Ser998Pro; replaces serine 998 with proline.
Molecular consequence: missense variant.
Genome position (GRCh38, 1-based): chr2:47,800,975, T>C. VCF-style: chr2-47800975-T-C. GRCh37 (hg19) VCF-style: chr2-48028114-T-C.
Other names: c.2602T>C, p.Ser868Pro (NM_001281492.2); c.2086T>C, p.Ser696Pro (NM_001281493.2, NM_001281494.2); short protein forms S998P, S868P, S696P.
Identifiers: ClinVar variation 568239 (VCV000568239.9), dbSNP rs730881800, ClinGen allele CA346756382.

ClinVar aggregate classification (germline): Uncertain significance (1 of 4 stars; one submission).

Conditions:
Hereditary nonpolyposis colorectal neoplasms. Identifiers: MedGen C0009405, MeSH D003123.

Submission:

Labcorp Genetics (formerly Invitae), Labcorp
Classification: Uncertain significance for Hereditary nonpolyposis colorectal neoplasms. Last evaluated: 2023-02-14. Review status: criteria provided, single submitter. Criteria: Invitae Variant Classification Sherloc (09022015). Collection method: clinical testing. Allele origin: germline.
Comment: This sequence change replaces serine, which is neutral and polar, with proline, which is neutral and non-polar, at codon 998 of the MSH6 protein (p.Ser998Pro). This variant is not present in population databases (gnomAD no frequency). This variant has not been reported in the literature in individuals affected with MSH6-related conditions. ClinVar contains an entry for this variant (Variation ID: 568239). Advanced modeling of protein sequence and biophysical properties (such as structural, functional, and spatial information, amino acid conservation, physicochemical variation, residue mobility, and thermodynamic stability) has been performed at Invitae for this missense variant, however the output from this modeling did not meet the statistical confidence thresholds required to predict the impact of this variant on MSH6 protein function. In summary, the available evidence is currently insufficient to determine the role of this variant in disease. Therefore, it has been classified as a Variant of Uncertain Significance.